The following is an entry in ClinVar:

ClinVar aggregate classification (germline): Likely pathogenic (1 of 4 stars; one submission).

Conditions:
Fabry disease. Also called: Fabry's disease; ALPHA-GALACTOSIDASE A DEFICIENCY; ANDERSON-FABRY DISEASE; CERAMIDE TRIHEXOSIDASE DEFICIENCY; GLA DEFICIENCY; HEREDITARY DYSTOPIC LIPIDOSIS. Identifiers: Orphanet 324, MedGen C0002986, MONDO:0010526, OMIM 301500, HP:0001071. Disease mechanism: Fabry disease is due to inactivating mutations in the X-linked GLA gene resulting in deficiency of the enzyme Alpha Galactosidase-A., loss of function.

Submission:

Genomenon, Inc
Classification: Likely pathogenic for Fabry disease. Last evaluated: 2026-09-08. Review status: criteria provided, single submitter. Criteria: Genomenon Sequence Variant Interpretation Standards - Updated. Collection method: curation. Allele origin: germline. Affected: yes.
Comment: GLA p.Ala292_Met296delinsVal (c.875_886del) is an in-frame deletion-insertion variant resulting in the replacement of multiple amino acids, from Alanine at codon 292 to Methionine at codon 296, with a single Valine. This variant has been observed in at least one proband with clinical features consistent with Fabry disease (PMID:27585509). The variant was found to segregate with disease in at least one affected family (PMID:27585509). Functional or patient cell studies have been reported (PMID:27585509). It is absent or not present at a significant frequency in gnomAD. In conclusion, we classify GLA p.Ala292_Met296delinsVal (c.875_886del) as a likely pathogenic variant.

Literature cited by the submitters: PubMed 27585509.

NM_000169.3(GLA):c.875_886del (p.Ala292_Met296delinsVal)

Genes: GLA (galactosidase alpha; minus strand), RPL36A-HNRNPH2 (RPL36A-HNRNPH2 readthrough; plus strand). Cytogenetic location: Xq22.1.
Variant type: Deletion.
Coding change: c.875_886del on transcript NM_000169.3 (MANE Select); coding-DNA positions 875 to 886, 12 bases deleted (CTCCTTTATTCA).
Protein change: p.Ala292_Met296delinsVal.
Molecular consequence: inframe indel. On other transcripts: non-coding transcript variant (3), intron variant (2).
Genome position (GRCh38, 1-based): chrX:101,398,483-101,398,494, TGAATAAAGGAG deleted on the plus strand (CTCCTTTATTCA on the coding strand, the reverse complement: GLA is on the minus strand). VCF-style (leftmost placement, unchanged base first): chrX-101398482-ATGAATAAAGGAG-A. GRCh37 (hg19) VCF-style: chrX-100653470-ATGAATAAAGGAG-A.
Other names: c.998_1009del, p.Ala333_Met337delinsVal (NM_001406747.1); c.875_886del, p.Ala292_Met296delinsVal (NM_001406748.1); c.300+3026_300+3037del (NM_001199973.2); c.177+6661_177+6672del (NM_001199974.2).
Identifiers: ClinVar variation 4974825 (VCV004974825.1).
Genomic context (GRCh38, chrX:101,398,482, plus strand): 5'-ACGTCCTTATCCTGAAGGAGAGCTTTGGCTTGAGGGCTGATGTGTCGGAGGTCATTAGAC[ATGAATAAAGGAG>A]CAGCCATGATAGCCCAGAGGGCCATCTGAGTTACTTGCTGATTCCAGCTGAGGCCAAAGT-3'